The following is an entry in ClinVar:

ClinVar aggregate classification (germline): Pathogenic (1 of 4 stars; one submission).

Conditions:
Marfan syndrome (MFS). Also called: MARFAN SYNDROME, TYPE I; Marfan syndrome type 1; Marfan's syndrome; Marfan syndrome, classic; FBN1-Related Marfan Syndrome. Identifiers: Orphanet 284963, Orphanet 558, MedGen C0024796, MONDO:0007947, OMIM 154700.
Familial thoracic aortic aneurysm and aortic dissection (TAAD). Also called: Thoracic aortic aneurysms and dissections. Identifiers: Orphanet 91387, MedGen C4707243, MONDO:0019625.

Submission:

Labcorp Genetics (formerly Invitae), Labcorp
Classification: Pathogenic for Marfan syndrome; Familial thoracic aortic aneurysm and aortic dissection. Last evaluated: 2023-01-06. Review status: criteria provided, single submitter. Criteria: Invitae Variant Classification Sherloc (09022015). Collection method: clinical testing. Allele origin: germline.
Comment: For these reasons, this variant has been classified as Pathogenic. This variant disrupts the p.Cys2622 amino acid residue in FBN1. Other variant(s) that disrupt this residue have been observed in individuals with FBN1-related conditions (PMID: 15241795, 25656438, 27906200; Invitae), which suggests that this may be a clinically significant amino acid residue. This variant affects a cysteine residue in the EGF-like, TGFBP or hybrid motif domains of FBN1. Cysteine residues are believed to be involved in intramolecular disulfide bridges and have been shown to be important for FBN1 protein structure (PMID: 16905551, 19349279). In addition, missense substitutions affecting cysteine residues within these domains are significantly overrepresented among patients with Marfan syndrome (PMID: 16571647, 17701892). Advanced modeling of protein sequence and biophysical properties (such as structural, functional, and spatial information, amino acid conservation, physicochemical variation, residue mobility, and thermodynamic stability) performed at Invitae indicates that this missense variant is expected to disrupt FBN1 protein function. This missense change has been observed in individual(s) with clinical features of Marfan syndrome (Invitae). This variant is not present in population databases (gnomAD no frequency). This sequence change replaces cysteine, which is neutral and slightly polar, with phenylalanine, which is neutral and non-polar, at codon 2622 of the FBN1 protein (p.Cys2622Phe).

Literature cited by the submitters: PubMed 15241795; PubMed 25656438; PubMed 27906200; PubMed 16905551; PubMed 19349279; PubMed 16571647; PubMed 17701892.

NM_000138.5(FBN1):c.7865G>T (p.Cys2622Phe)

Gene: FBN1 (fibrillin 1; minus strand). Cytogenetic location: 15q21.1.
Variant type: single nucleotide variant.
Coding change: c.7865G>T on transcript NM_000138.5 (MANE Select); coding-DNA position 7865, G replaced by T.
Protein change: p.Cys2622Phe; replaces cysteine 2622 with phenylalanine.
Molecular consequence: missense variant.
Genome position (GRCh38, 1-based): chr15:48,415,722, C>A on the plus strand (G>T on the coding strand, the complement: FBN1 is on the minus strand). VCF-style: chr15-48415722-C-A. GRCh37 (hg19) VCF-style: chr15-48707919-C-A.
Other names: c.7865G>T, p.Cys2622Phe (NM_001406716.1); short protein forms C2622F.
Identifiers: ClinVar variation 2942964 (VCV002942964.3), dbSNP rs1555393880, ClinGen allele CA392323372.
Genomic context (GRCh38, chr15:48,415,722, plus strand): 5'-AACTGTTCATACTGGAAGCCGGCGGGACACATGCACTTGTAGCTCCCCAGGGTGTTGTGA[C>A]AGGAGGCTCCTCCGCAGATGTGAGCGCTGAGGCATTCGTTTTCATCTGCAGGCAAAATAA-3'
Protein context (NP_000129.3, residues 2612-2632): LSAHICGGAS[Cys2622Phe]HNTLGSYKCM